The following is an entry in ClinVar:

ClinVar aggregate classification (germline): Pathogenic (1 of 4 stars; one submission).

Conditions:
Hypertrophic cardiomyopathy 25 (CMH25). Also called: CARDIOMYOPATHY, FAMILIAL HYPERTROPHIC, 25. Identifiers: MedGen C4225408, MONDO:0011843, OMIM 607487.
Primary familial hypertrophic cardiomyopathy (HCM). Identifiers: Orphanet 99739, MedGen C0949658, MeSH D024741, MONDO:0024573. Inheritance: Various modes of inheritance.

Submission:

Labcorp Genetics (formerly Invitae), Labcorp
Classification: Pathogenic for Hypertrophic cardiomyopathy 25; Primary familial hypertrophic cardiomyopathy. Last evaluated: 2025-05-27. Review status: criteria provided, single submitter. Criteria: Invitae Variant Classification Sherloc (09022015). Collection method: clinical testing. Allele origin: germline.
Comment: This sequence change creates a premature translational stop signal (p.Cys15*) in the TCAP gene. It is expected to result in an absent or disrupted protein product. Loss-of-function variants in TCAP are known to be pathogenic (PMID: 10655062, 21530252, 25055047). This variant is present in population databases (rs758142728, gnomAD 0.006%). This variant has not been reported in the literature in individuals affected with TCAP-related conditions. Algorithms developed to predict the effect of sequence changes on RNA splicing suggest that this variant may disrupt the consensus splice site. For these reasons, this variant has been classified as Pathogenic.

Literature cited by the submitters: PubMed 10655062; PubMed 21530252; PubMed 25055047.

NM_003673.4(TCAP):c.45_46del (p.Cys15_Glu16delinsTer)

Gene: TCAP (titin-cap; plus strand). Cytogenetic location: 17q12.
Variant type: Microsatellite.
Coding change: c.45_46del on transcript NM_003673.4 (MANE Select); coding-DNA positions 45 to 46, 2 bases deleted (TG; older notation c.45_46delTG).
Protein change: p.Cys15_Glu16delinsTer.
Molecular consequence: nonsense.
Genome position (GRCh38, 1-based): chr17:39,665,404-39,665,405, TG deleted; deleting any 2 consecutive bases within chr17:39,665,402-39,665,405 gives the same sequence; the c. name uses the placement nearest the transcript's 3' end. VCF-style (leftmost placement, unchanged base first): chr17-39665401-CTG-C. GRCh37 (hg19) VCF-style: chr17-37821654-CTG-C.
Identifiers: ClinVar variation 2065429 (VCV002065429.4), dbSNP rs758142728, ClinGen allele CA8532822.